The following is an entry in ClinVar:

NM_001267550.2(TTN):c.86407_86408dup (p.Thr28804fs)

Genes: TTN (titin; minus strand), TTN-AS1 (TTN antisense RNA 1; plus strand). Cytogenetic location: 2q31.2.
Variant type: Duplication.
Coding change: c.86407_86408dup on transcript NM_001267550.2 (MANE Select); coding-DNA positions 86407 to 86408, 2 bases duplicated (AC; older notation c.86407_86408dupAC).
Protein change: p.Thr28804fs; shifts the reading frame from threonine 28804.
Molecular consequence: frameshift variant.
Genome position (GRCh38, 1-based): chr2:178,559,724-178,559,725, GT duplicated on the plus strand (AC on the coding strand, the reverse complement: TTN is on the minus strand). VCF-style (leftmost placement, unchanged base first): chr2-178559723-G-GGT. GRCh37 (hg19) VCF-style: chr2-179424450-G-GGT.
Other names: c.81484_81485dup, p.Thr27163fs (NM_001256850.1); c.59212_59213dup, p.Thr19739fs (NM_003319.4); c.78703_78704dup, p.Thr26236fs (NM_133378.4); c.59587_59588dup, p.Thr19864fs (NM_133432.3); c.59788_59789dup, p.Thr19931fs (NM_133437.4); short protein forms T19931fs, T26236fs, T27163fs, T28804fs, T19739fs, T19864fs.
Identifiers: ClinVar variation 1506731 (VCV001506731.8), dbSNP rs2154158109, ClinGen allele CA2573134101.

ClinVar aggregate classification (germline): Likely pathogenic (1 of 4 stars; one submission).

Conditions:
Dilated cardiomyopathy 1G (CMD1G). Identifiers: Orphanet 154, MedGen C1858763, MONDO:0011400, OMIM 604145.
Autosomal recessive limb-girdle muscular dystrophy type 2J (LGMDR10). Also called: MUSCULAR DYSTROPHY, LIMB-GIRDLE, AUTOSOMAL RECESSIVE 10; Limb-girdle muscular dystrophy, type 2J. Identifiers: Orphanet 140922, MedGen C1837342, MONDO:0012127, OMIM 608807.

Submission:

Labcorp Genetics (formerly Invitae), Labcorp
Classification: Likely pathogenic for Dilated cardiomyopathy 1G; Autosomal recessive limb-girdle muscular dystrophy type 2J. Last evaluated: 2021-05-13. Review status: criteria provided, single submitter. Criteria: Invitae Variant Classification Sherloc (09022015). Collection method: clinical testing. Allele origin: germline.
Comment: In summary, the currently available evidence indicates that the variant is pathogenic, but additional data are needed to prove that conclusively. Therefore, this variant has been classified as Likely Pathogenic. This variant is located in the A band of TTN (PMID: 25589632). Truncating variants in this region are significantly overrepresented in patients affected with dilated cardiomyopathy (PMID: 25589632). Truncating variants in this region have also been reported in individuals affected with autosomal recessive centronuclear myopathy (PMID: 23975875). This variant has not been reported in the literature in individuals with TTN-related conditions. This variant is not present in population databases (ExAC no frequency). This sequence change creates a premature translational stop signal (p.Thr28804Profs*8) in the TTN gene. While this is not anticipated to result in nonsense mediated decay, it is expected to create a truncated TTN protein.

Literature cited by the submitters: PubMed 25589632; PubMed 23975875.